The following is an entry in ClinVar:

NM_007294.4(BRCA1):c.5143A>G (p.Ser1715Gly)

Gene: BRCA1 (BRCA1 DNA repair associated; minus strand). Cytogenetic location: 17q21.31.
Variant type: single nucleotide variant.
Coding change: c.5143A>G on transcript NM_007294.4 (MANE Select); coding-DNA position 5143, A replaced by G.
Protein change: p.Ser1715Gly; replaces serine 1715 with glycine.
Molecular consequence: missense variant. On other transcripts: non-coding transcript variant (1).
Genome position (GRCh38, 1-based): chr17:43,063,883, T>C on the plus strand (A>G on the coding strand, the complement: BRCA1 is on the minus strand). VCF-style: chr17-43063883-T-C. GRCh37 (hg19) VCF-style: chr17-41215900-T-C.
Other names: c.4930A>G, p.Ser1644Gly (NM_001407571.1, NM_001407894.1, NM_001407895.1 and 12 more transcripts); c.5209A>G, p.Ser1737Gly (NM_001407581.1, NM_001407582.1); c.5206A>G, p.Ser1736Gly (NM_001407583.1, NM_001407585.1, NM_001407587.1 and 1 more transcripts); c.5203A>G, p.Ser1735Gly (NM_001407590.1, NM_001407591.1); c.5143A>G, p.Ser1715Gly (NM_001407593.1, NM_001407594.1, NM_001407596.1 and 7 more transcripts); c.5140A>G, p.Ser1714Gly (NM_001407620.1, NM_001407621.1, NM_001407622.1 and 17 more transcripts); c.5137A>G, p.Ser1713Gly (NM_001407627.1, NM_001407628.1, NM_001407639.1 and 14 more transcripts); c.5134A>G, p.Ser1712Gly (NM_001407644.1, NM_001407645.1); and 71 more; short protein forms S1715G, S611G, S1668G, S1736G, S1561G, S1586G, S1588G, S1602G.
Identifiers: ClinVar variation 867402 (VCV000867402.4), dbSNP rs80357222, ClinGen allele CA10591258.

ClinVar aggregate classification (germline): Uncertain significance (1 of 4 stars; one submission).

Conditions:
Breast-ovarian cancer, familial, susceptibility to, 1 (BROVCA1). Also called: BRCA1 Hereditary Breast and Ovarian Cancer; OVARIAN CANCER, SUSCEPTIBILITY TO. Identifiers: Orphanet 145, MedGen C2676676, MONDO:0011450, OMIM 604370. Disease mechanism: loss of function.

Submissions (2):

All of Us Research Program, National Institutes of Health
Classification: Uncertain significance for Breast-ovarian cancer, familial, susceptibility to, 1. Last evaluated: 2023-12-15. Review status: criteria provided, single submitter. Criteria: ACMG Guidelines, 2015. Collection method: clinical testing. Allele origin: germline. Inheritance: Autosomal dominant inheritance. Observed: 2 variant alleles, 2 heterozygotes.
Comment: This missense variant replaces a conserved serine with glycine at codon 1715 in the BRCT domain of the BRCA1 protein. Computational prediction is inconclusive regarding the impact of this variant on protein structure and function (internally defined REVEL score threshold 0.5 < inconclusive < 0.7, PMID: 27666373). A functional study has reported that this variant resulted in intermediate BRCA1 activity in a haploid cell proliferation assay (PMID: 30209399). This variant has been reported in a suspected hereditary breast and ovarian cancer family (PMID: 10644434). Different missense variants with substitution by arginine, asparagine and cysteine at this codon have been reported as disease-causing in ClinVar (variation ID: 55414, 55415, 55416, 55418). Notably, these other missense variants are reported to be more severely defective and shown to be loss-of-function in the haploid cell proliferation assay which found residual intermediate activity in the variant in question, p.Ser1715Gly (PMID: 30209399). This variant has not been identified in the general population by the Genome Aggregation Database (gnomAD). The available evidence is insufficient to determine the role of this variant in disease conclusively. Therefore, this variant is classified as a Variant of Uncertain Significance.

This study involves interpretation of variants in research participants for the purpose of population health screening. Participant phenotype was not available at the time of variant classification. Additional details can be found in publication PMID: 35346344, PMCID: PMC8962531

Brotman Baty Institute, University of Washington
No classification provided (evidence only). Condition: Breast-ovarian cancer, familial 1. Review status: no classification provided. Collection method: in vitro. Allele origin: not applicable. Functional consequence: function_uncertain_variant. Not counted in ClinVar's aggregate classification.
ClinVar note: "not provided" was previously submitted as the classification for the variant. However, the classification appeared to be based only on an observation of functional data so it was converted to no classification on 2025-07-30.

Literature cited by the submitters: PubMed 10644434 (cited by All of Us Research Program, National Institutes of Health); PubMed 30209399 (cited by All of Us Research Program, National Institutes of Health).